The following is an entry in ClinVar:

ClinVar aggregate classification (germline): Uncertain significance (1 of 4 stars; one submission).

Submission:

Ambry Genetics
Classification: Uncertain significance. Last evaluated: 2025-09-04. Review status: criteria provided, single submitter. Criteria: Ambry Variant Classification Scheme 2023. Collection method: clinical testing. Allele origin: germline.
Comment: The p.M518L variant (also known as c.1552A>C), located in coding exon 9 of the GALNT12 gene, results from an A to C substitution at nucleotide position 1552. The methionine at codon 518 is replaced by leucine, an amino acid with highly similar properties. This amino acid position is conserved. In addition, this alteration is predicted to be tolerated by in silico analysis. Based on the available evidence, the clinical significance of this variant remains unclear.

NM_024642.5(GALNT12):c.1552A>C (p.Met518Leu)

Gene: GALNT12 (polypeptide N-acetylgalactosaminyltransferase 12; plus strand). Cytogenetic location: 9q22.33.
Variant type: single nucleotide variant.
Coding change: c.1552A>C on transcript NM_024642.5 (MANE Select); coding-DNA position 1552, A replaced by C.
Protein change: p.Met518Leu; replaces methionine 518 with leucine.
Molecular consequence: missense variant.
Genome position (GRCh38, 1-based): chr9:98,846,070, A>C. VCF-style: chr9-98846070-A-C. GRCh37 (hg19) VCF-style: chr9-101608352-A-C.
Other names: short protein forms M518L.
Identifiers: ClinVar variation 4261512 (VCV004261512.1).